The following is an entry in ClinVar:

ClinVar aggregate classification (germline): Uncertain significance. Review status: criteria provided, multiple submitters, no conflicts (2 of 4 stars). 2 submissions from 2 submitters: Uncertain significance (2). Last evaluated 2025-08-25.

Conditions:
Neurofibromatosis, type 1 (NF1). Also called: NEUROFIBROMATOSIS, TYPE I, SOMATIC; Peripheral type neurofibromatosis; Neurofibromatosis, type I; VON RECKLINGHAUSEN DISEASE. Identifiers: Orphanet 636, MedGen C0027831, MONDO:0018975, OMIM 162200. Disease mechanism: loss of function.
Hereditary cancer-predisposing syndrome. Also called: Neoplastic Syndromes, Hereditary; Tumor predisposition; Hereditary Cancer Syndrome; Hereditary neoplastic syndrome. Identifiers: Orphanet 140162, MedGen C0027672, MeSH D009386, MONDO:0015356.
Cardiovascular phenotype. Identifiers: MedGen CN230736.

Submissions (2):

Ambry Genetics
Classification: Uncertain significance for Cardiovascular phenotype; Hereditary cancer-predisposing syndrome. Last evaluated: 2025-08-25. Review status: criteria provided, single submitter. Criteria: Ambry Variant Classification Scheme 2023. Collection method: clinical testing. Allele origin: germline.
Comment: The p.E2347V variant (also known as c.7040A>T), located in coding exon 47 of the NF1 gene, results from an A to T substitution at nucleotide position 7040. The glutamic acid at codon 2347 is replaced by valine, an amino acid with dissimilar properties. This amino acid position is conserved. In addition, this alteration is predicted to be deleterious by in silico analysis. Based on the available evidence, the clinical significance of this variant remains unclear.

Labcorp Genetics (formerly Invitae), Labcorp
Classification: Uncertain significance for Neurofibromatosis, type 1. Last evaluated: 2025-06-16. Review status: criteria provided, single submitter. Criteria: Invitae Variant Classification Sherloc (09022015). Collection method: clinical testing. Allele origin: germline.
Comment: This sequence change replaces glutamic acid, which is acidic and polar, with valine, which is neutral and non-polar, at codon 2347 of the NF1 protein (p.Glu2347Val). This variant is not present in population databases (gnomAD no frequency). This variant has not been reported in the literature in individuals affected with NF1-related conditions. Invitae Evidence Modeling of protein sequence and biophysical properties (such as structural, functional, and spatial information, amino acid conservation, physicochemical variation, residue mobility, and thermodynamic stability) indicates that this missense variant is expected to disrupt NF1 protein function with a positive predictive value of 95%. In summary, the available evidence is currently insufficient to determine the role of this variant in disease. Therefore, it has been classified as a Variant of Uncertain Significance.

NM_001042492.3(NF1):c.7103A>T (p.Glu2368Val)

Gene: NF1 (neurofibromin 1; plus strand). Cytogenetic location: 17q11.2.
Variant type: single nucleotide variant.
Coding change: c.7103A>T on transcript NM_001042492.3 (MANE Select); coding-DNA position 7103, A replaced by T.
Protein change: p.Glu2368Val; replaces glutamic acid 2368 with valine.
Molecular consequence: missense variant.
Genome position (GRCh38, 1-based): chr17:31,343,049, A>T. VCF-style: chr17-31343049-A-T. GRCh37 (hg19) VCF-style: chr17-29670067-A-T.
Other names: c.7040A>T, p.Glu2347Val (NM_000267.4); short protein forms E2347V, E2368V.
Identifiers: ClinVar variation 4119165 (VCV004119165.2).